The following is an entry in ClinVar:

NM_001171613.2(PREPL):c.553A>G (p.Thr185Ala)

Gene: PREPL (prolyl endopeptidase like; minus strand). Cytogenetic location: 2p21.
Variant type: single nucleotide variant.
Coding change: c.553A>G on transcript NM_001171613.2 (MANE Select); coding-DNA position 553, A replaced by G.
Protein change: p.Thr185Ala; replaces threonine 185 with alanine.
Molecular consequence: missense variant.
Genome position (GRCh38, 1-based): chr2:44,339,296, T>C on the plus strand (A>G on the coding strand, the complement: PREPL is on the minus strand). VCF-style: chr2-44339296-T-C. GRCh37 (hg19) VCF-style: chr2-44566435-T-C.
Other names: c.820A>G, p.Thr274Ala (NM_001042385.2, NM_001042386.2, NM_001171603.1 and 4 more transcripts); c.553A>G, p.Thr185Ala (NM_001171617.1, NM_001374277.1); short protein forms T185A, T274A.
Identifiers: ClinVar variation 1389106 (VCV001389106.6), dbSNP rs150028917, ClinGen allele CA1641420.

ClinVar aggregate classification (germline): Uncertain significance. Review status: criteria provided, multiple submitters, no conflicts (2 of 4 stars). 2 submissions from 2 submitters: Uncertain significance (2). Last evaluated 2025-03-31.

Conditions:
Inborn genetic diseases. Identifiers: MedGen C0950123, MeSH D030342.
Myasthenic syndrome, congenital, 22 (CMS22). Also called: PREPL DEFICIENCY. Identifiers: MedGen C4479088, MONDO:0044299, OMIM 616224.

Allele frequency attached by ClinVar (database versions not stated): gnomAD 0.00003; TOPMed 0.00001.

Submissions (2):

Ambry Genetics
Classification: Uncertain significance for Inborn genetic diseases. Last evaluated: 2025-03-31. Review status: criteria provided, single submitter. Criteria: Ambry Variant Classification Scheme 2023. Collection method: clinical testing. Allele origin: germline.

Labcorp Genetics (formerly Invitae), Labcorp
Classification: Uncertain significance for Myasthenic syndrome, congenital, 22. Last evaluated: 2021-09-15. Review status: criteria provided, single submitter. Criteria: Invitae Variant Classification Sherloc (09022015). Collection method: clinical testing. Allele origin: germline.
Comment: This variant is present in population databases (rs150028917, ExAC 0.002%). In summary, the available evidence is currently insufficient to determine the role of this variant in disease. Therefore, it has been classified as a Variant of Uncertain Significance. Algorithms developed to predict the effect of missense changes on protein structure and function are either unavailable or do not agree on the potential impact of this missense change (SIFT: "Deleterious"; PolyPhen-2: "Benign"; Align-GVGD: "Class C0"). This variant has not been reported in the literature in individuals affected with PREPL-related conditions. This sequence change replaces threonine with alanine at codon 274 of the PREPL protein (p.Thr274Ala). The threonine residue is highly conserved and there is a small physicochemical difference between threonine and alanine.